The following is an entry in ClinVar:

NM_001364905.1(LRBA):c.5586G>A (p.Trp1862Ter)

Gene: LRBA (LPS responsive beige-like anchor protein; minus strand). Cytogenetic location: 4q31.3.
Variant type: single nucleotide variant.
Coding change: c.5586G>A on transcript NM_001364905.1 (MANE Select); coding-DNA position 5586, G replaced by A.
Protein change: p.Trp1862Ter; replaces tryptophan 1862 with a stop codon.
Molecular consequence: nonsense.
Genome position (GRCh38, 1-based): chr4:150,761,842, C>T on the plus strand (G>A on the coding strand, the complement: LRBA is on the minus strand). VCF-style: chr4-150761842-C-T. GRCh37 (hg19) VCF-style: chr4-151682994-C-T.
Other names: c.5586G>A, p.Trp1862Ter (NM_001199282.3, NM_001367550.1, NM_006726.5); short protein forms W1862*.
Identifiers: ClinVar variation 2165716 (VCV002165716.4), dbSNP rs1209551499, ClinGen allele CA358607991.
Genomic context (GRCh38, chr4:150,761,842, plus strand): 5'-CCTTCCTTCATTGACAAGTTCGATAAAAGCAAGGCCTGCATTCTTCTGAATAGAATTTTG[C>T]CACTCCTATAAAAAAAAAAGCAAAAATAGCTGAAGAAATGTCACTCAGTAGGTTCTTTCT-3'

ClinVar aggregate classification (germline): Pathogenic (1 of 4 stars; one submission).

Conditions:
Combined immunodeficiency due to LRBA deficiency. Also called: Common variable immunodeficiency 8, with autoimmunity. Identifiers: Orphanet 445018, MedGen C3553512, MONDO:0013863, OMIM 614700.

Allele frequency attached by ClinVar (database versions not stated): TOPMed below 0.00001.
gnomAD v4.1: 10 of 1,519,226 alleles (0.00066%); highest among the groups gnomAD compares: Non-Finnish European, 0.00079%; no homozygotes.

Submission:

Labcorp Genetics (formerly Invitae), Labcorp
Classification: Pathogenic for Combined immunodeficiency due to LRBA deficiency. Last evaluated: 2022-05-04. Review status: criteria provided, single submitter. Criteria: Invitae Variant Classification Sherloc (09022015). Collection method: clinical testing. Allele origin: germline.
Comment: For these reasons, this variant has been classified as Pathogenic. This variant has not been reported in the literature in individuals affected with LRBA-related conditions. The frequency data for this variant in the population databases is considered unreliable, as metrics indicate poor data quality at this position in the gnomAD database. This sequence change creates a premature translational stop signal (p.Trp1862*) in the LRBA gene. It is expected to result in an absent or disrupted protein product. Loss-of-function variants in LRBA are known to be pathogenic (PMID: 26206937, 26768763).

Literature cited by the submitters: PubMed 26206937; PubMed 26768763.